The following is an entry in ClinVar:

ClinVar aggregate classification (germline): Benign (3 of 4 stars; one submission).

Conditions:
Breast-ovarian cancer, familial, susceptibility to, 2 (BROVCA2). Also called: BRCA2 Hereditary Breast and Ovarian Cancer. Identifiers: Orphanet 145, MedGen C2675520, MONDO:0012933, OMIM 612555. Disease mechanism: loss of function.

Allele frequency attached by ClinVar (database versions not stated): 1000 Genomes Project 30x 0.00890; TOPMed 0.01727; gnomAD 0.01851 and 0.01778; 1000 Genomes Project 0.00639.
gnomAD v4.1: 2,724 of 152,156 alleles (1.8%); highest among the groups gnomAD compares: Non-Finnish European, 2.8%; 32 homozygotes.

Submission:

Evidence-based Network for the Interpretation of Germline Mutant Alleles (ENIGMA)
Classification: Benign for Breast-ovarian cancer, familial 2. Last evaluated: 2015-01-12. Review status: reviewed by expert panel. Criteria: ENIGMA BRCA1/2 Classification Criteria (2015). Collection method: curation. Allele origin: germline.
Comment: Class 1 not pathogenic based on frequency >1% in an outbred sampleset. Frequency 0.01847 (European), derived from 1000 genomes (2012-04-30).

NM_000059.4(BRCA2):c.8332-1361C>G

Gene: BRCA2 (BRCA2 DNA repair associated; plus strand). Cytogenetic location: 13q13.1.
Variant type: single nucleotide variant.
Coding change: c.8332-1361C>G on transcript NM_000059.4 (MANE Select); 1361 bases into the intron before coding-DNA position 8332, C replaced by G.
Molecular consequence: intron variant.
Genome position (GRCh38, 1-based): chr13:32,369,041, C>G. VCF-style: chr13-32369041-C-G. GRCh37 (hg19) VCF-style: chr13-32943178-C-G.
Other names: IVS 18-1361C>G.
Identifiers: ClinVar variation 209807 (VCV000209807.1), dbSNP rs9534286, ClinGen allele CA276775.
Genomic context (GRCh38, chr13:32,369,041, plus strand): 5'-TTTATTTTTAGTAGAGACGGGGTTTCACCATCTTGGCCAGGCTGGTCTCCAACTCCTGAC[C>G]TTGTGATCCACCCGCCTCGGCCTCCCAAAGTGTTGGGATTACAGGCGTGAGCCACAGCGC-3'